The following is an entry in ClinVar:

NM_004304.5(ALK):c.2767G>A (p.Gly923Arg)

Gene: ALK (ALK receptor tyrosine kinase; minus strand). Cytogenetic location: 2p23.2.
Variant type: single nucleotide variant.
Coding change: c.2767G>A on transcript NM_004304.5 (MANE Select); coding-DNA position 2767, G replaced by A.
Protein change: p.Gly923Arg; replaces glycine 923 with arginine.
Molecular consequence: missense variant.
Genome position (GRCh38, 1-based): chr2:29,228,932, C>T on the plus strand (G>A on the coding strand, the complement: ALK is on the minus strand). VCF-style: chr2-29228932-C-T. GRCh37 (hg19) VCF-style: chr2-29451798-C-T.
Other names: short protein forms G923R.
Identifiers: ClinVar variation 957255 (VCV000957255.11), dbSNP rs1664097953, ClinGen allele CA346469614.

ClinVar aggregate classification (germline): Uncertain significance. Review status: criteria provided, multiple submitters, no conflicts (2 of 4 stars). 2 submissions from 2 submitters: Uncertain significance (2). Last evaluated 2023-09-10.

Conditions:
Hereditary cancer-predisposing syndrome. Also called: Hereditary neoplastic syndrome; Tumor predisposition; Neoplastic Syndromes, Hereditary; Hereditary Cancer Syndrome. Identifiers: Orphanet 140162, MedGen C0027672, MeSH D009386, MONDO:0015356.
Neuroblastoma, susceptibility to, 3. Also called: ALK-Related Neuroblastic Tumor Susceptibility. Identifiers: Orphanet 635, MedGen C2751681, MONDO:0013083, OMIM 613014.

Submissions (2):

Ambry Genetics
Classification: Uncertain significance for Hereditary cancer-predisposing syndrome. Last evaluated: 2023-09-10. Review status: criteria provided, single submitter. Criteria: Ambry Variant Classification Scheme 2023. Collection method: clinical testing. Allele origin: germline.
Comment: The p.G923R variant (also known as c.2767G>A), located in coding exon 16 of the ALK gene, results from a G to A substitution at nucleotide position 2767. The glycine at codon 923 is replaced by arginine, an amino acid with dissimilar properties. This amino acid position is conserved. In addition, the in silico prediction for this alteration is inconclusive. Since supporting evidence is limited at this time, the clinical significance of this alteration remains unclear.

Labcorp Genetics (formerly Invitae), Labcorp
Classification: Uncertain significance for Neuroblastoma, susceptibility to, 3. Last evaluated: 2019-08-14. Review status: criteria provided, single submitter. Criteria: Invitae Variant Classification Sherloc (09022015). Collection method: clinical testing. Allele origin: germline.
Comment: In summary, the available evidence is currently insufficient to determine the role of this variant in disease. Therefore, it has been classified as a Variant of Uncertain Significance. Algorithms developed to predict the effect of missense changes on protein structure and function (SIFT, PolyPhen-2, Align-GVGD) all suggest that this variant is likely to be disruptive, but these predictions have not been confirmed by published functional studies and their clinical significance is uncertain. This variant has not been reported in the literature in individuals with ALK-related conditions. This variant is not present in population databases (ExAC no frequency). This sequence change replaces glycine with arginine at codon 923 of the ALK protein (p.Gly923Arg). The glycine residue is highly conserved and there is a moderate physicochemical difference between glycine and arginine.